The following is an entry in ClinVar:

ClinVar aggregate classification (germline): Pathogenic. Review status: criteria provided, multiple submitters, no conflicts (2 of 4 stars). 20 submissions from 19 submitters: Pathogenic (15). 5 of the submissions do not count toward it. Last evaluated 2026-01-11.

Conditions:
PEX7-related disorder. Also called: PEX7-related condition; PEX7-related disorders. Identifiers: MedGen CN239409.
Rhizomelic chondrodysplasia punctata (RCDP). Identifiers: Orphanet 177, MedGen C0282529, MONDO:0015776. Disease mechanism: loss of function.
Rhizomelic chondrodysplasia punctata type 1 (RCDP1). Also called: CHONDRODYSTROPHIA CALCIFICANS PUNCTATA; PEX7-Related Rhizomelic Chondrodysplasia Punctata; PEROXISOME BIOGENESIS DISORDER 9. Identifiers: Orphanet 177, Orphanet 309789, MedGen C1859133, MONDO:0008972, OMIM 215100. Disease mechanism: loss of function.
Peroxisome biogenesis disorder 9B. Also called: PEROXISOME BIOGENESIS DISORDER, PEX7-RELATED, ATYPICAL; PEX7-Related Refsum Disease; Refsum disease, adult, 2. Identifiers: Orphanet 773, MedGen C2749346, MONDO:0013945, OMIM 614879.

Allele frequency attached by ClinVar (database versions not stated): ExAC 0.00006; gnomAD exomes 0.00006 and 0.00007; TOPMed 0.00007; ESP Exome Variant Server 0.00008; gnomAD 0.00011.
gnomAD v4.1: 115 of 1,535,488 alleles (0.0075%); highest among the groups gnomAD compares: Non-Finnish European, 0.0097%; no homozygotes.

Submissions 1 to 11 of 20:

Labcorp Genetics (formerly Invitae), Labcorp
Classification: Pathogenic for Peroxisome biogenesis disorder 9B. Last evaluated: 2026-01-11. Review status: criteria provided, single submitter. Criteria: Invitae Variant Classification Sherloc (09022015). Collection method: clinical testing. Allele origin: germline.
Comment: This sequence change affects a donor splice site in intron 9 of the PEX7 gene. RNA analysis indicates that disruption of this splice site induces altered splicing and likely disrupts the C-terminus of the protein. This variant is present in population databases (rs148591292, gnomAD 0.01%). Disruption of this splice site has been observed in individual(s) with rhizomelic chondrodysplasia punctata (PMID: 9090383, 11781871, 12325024, 23572185, 26408048). In at least one individual the data is consistent with being in trans (on the opposite chromosome) from a pathogenic variant. ClinVar contains an entry for this variant (Variation ID: 7785). Variants that disrupt the consensus splice site are a relatively common cause of aberrant splicing (PMID: 17576681, 9536098). Studies have shown that disruption of this splice site results in skipping of exon 9 and introduces a new termination codon (PMID: 9090383). However the mRNA is not expected to undergo nonsense-mediated decay. For these reasons, this variant has been classified as Pathogenic.

PreventionGenetics, part of Exact Sciences
Classification: Pathogenic for PEX7-related condition. Last evaluated: 2025-12-16. Review status: criteria provided, single submitter. Criteria: ACMG Guidelines, 2015. Collection method: clinical testing. Allele origin: germline.
Comment: The PEX7 c.903+1G>C variant is predicted to disrupt the GT donor site and interfere with normal splicing. This variant is reported to be one of the most common pathogenic variants identified in patients with autosomal recessive rhizomelic chondrodysplasia punctata (Motley et al. 2002. PubMed ID: 11781871; Braverman et al. 2002. PubMed ID: 12325024). This variant is reported in 0.014% of alleles in individuals of European (Non-Finnish) descent in gnomAD. Variants that disrupt the consensus splice donor site in PEX7 are expected to be pathogenic. This variant is interpreted as pathogenic.

Natera, Inc.
Classification: Pathogenic for Rhizomelic Chondrodysplasia Punctata. Last evaluated: 2025-09-12. Review status: criteria provided, single submitter. Criteria: Natera Variant Classification Schema (03/2026). Collection method: clinical testing. Allele origin: germline.
Comment: The c.903+1G>C variant in PEX7 is a canonical splice donor site variant predicted to affect pre-mRNA splicing, which may result in an abnormal transcript and altered protein product. This variant is expected to result in nonsense mediated decay, truncation, or a dysfunctional protein product. This variant is rare in the general population with a frequency below the threshold expected for the associated phenotype(s). This variant has been observed in one or more individuals affected with the associated recessive disease, as either homozygous or compound heterozygous with a second variant (PMID: 12325024). Given the available evidence, this variant is classified as Pathogenic.

Blueprint Genetics
Classification: Pathogenic for PEX7-related disorders. Last evaluated: 2024-05-29. Review status: criteria provided, single submitter. Criteria: ACMG Guidelines, 2015. Collection method: clinical testing. Allele origin: germline. Affected: yes. Observed: 5 variant alleles.

GeneDx
Classification: Pathogenic. Last evaluated: 2024-05-06. Review status: criteria provided, single submitter. Criteria: GeneDx Variant Classification Process June 2021. Collection method: clinical testing. Allele origin: germline. Affected: yes.
Comment: Canonical splice site variant predicted to result in a null allele in a gene for which loss of function is a known mechanism of disease; Published functional studies demonstrate a damaging effect on splicing with skipping of exon 9, leading to premature termination of the protein (PMID: 9090383); Also known as IVS9+1G>C; This variant is associated with the following publications: (PMID: 12325024, 25525159, 11781871, 23572185, 26408048, 31589614, 31980526, 31964843, 9090383)

Baylor Genetics
Classification: Pathogenic for Peroxisome biogenesis disorder 9B. Last evaluated: 2024-03-27. Review status: criteria provided, single submitter. Criteria: ACMG Guidelines, 2015. Collection method: clinical testing. Allele origin: unknown.

Fulgent Genetics
Classification: Pathogenic for Rhizomelic chondrodysplasia punctata type 1; Peroxisome biogenesis disorder 9B. Last evaluated: 2024-03-06. Review status: criteria provided, single submitter. Criteria: ACMG Guidelines, 2015. Collection method: clinical testing. Allele origin: germline.

Athena Diagnostics
Classification: Pathogenic. Last evaluated: 2023-08-11. Review status: criteria provided, single submitter. Criteria: Athena Diagnostics Criteria. Collection method: clinical testing. Allele origin: unknown.
Comment: The frequency of this variant in the general population is consistent with pathogenicity. In multiple individuals with rhizomelic chondrodysplasia punctata (RCDP), this variant has been seen with a single recessive pathogenic variant in the same gene, suggesting this variant may also be pathogenic. Assessment of experimental evidence suggests this variant results in abnormal RNA splicing. Studies show this variant will result in premature termination of the protein (PMID: 9090383, 12325024).

Myriad Genetics, Inc.
Classification: Pathogenic for Rhizomelic chondrodysplasia punctata type 1. Last evaluated: 2019-12-19. Review status: criteria provided, single submitter. Criteria: Myriad Women's Health Autosomal Recessive and X-Linked Classification Criteria (2019). Collection method: clinical testing. Allele origin: unknown.
Comment: NM_000288.3(PEX7):c.903+1G>C(aka IVS9+1G>C) is classified as pathogenic in the context of type 1 rhizomelic chondrodysplasia punctata. Sources cited for classification include the following: PMID 9090383 and 12325024. Classification of NM_000288.3(PEX7):c.903+1G>C(aka IVS9+1G>C) is based on the following criteria: The variant is located at a canonical splice site, is expected to disrupt gene function and is reported in individuals with the relevant phenotype. Please note: this variant was assessed in the context of healthy population screening.

Women's Health and Genetics/Laboratory Corporation of America, LabCorp
Classification: Pathogenic for Rhizomelic chondrodysplasia punctata type 1. Last evaluated: 2018-03-29. Review status: criteria provided, single submitter. Criteria: LabCorp Variant Classification Summary - May 2015. Collection method: clinical testing. Allele origin: germline.
Comment: Variant summary: PEX7 c.903+1G>C is located in a canonical splice-site and is predicted to affect mRNA splicing resulting in a significantly altered protein due to either exon skipping, shortening, or inclusion of intronic material. Several computational tools predict a significant impact on normal splicing: Five predict the variant abolishes a 5 splicing donor site. At least one publication reports experimental evidence that this variant affects mRNA splicing (Braverman 2002). The variant allele was found at a frequency of 6.9e-05 in 276934 control chromosomes. c.903+1G>C has been reported in the literature in multiple individuals affected with Rhizomelic Chondrodysplasia Punctata Type 1 (e.g. Motley 2002, Huffnagel 2013, Braverman 2002). These data indicate that the variant is very likely to be associated with disease. Four clinical diagnostic laboratories have submitted clinical-significance assessments for this variant to ClinVar after 2014 without evidence for independent evaluation. All laboratories classified the variant as pathogenic. Based on the evidence outlined above, the variant was classified as pathogenic.

Illumina Laboratory Services, Illumina
Classification: Pathogenic for PEX7-Related Disorders. Last evaluated: 2017-04-28. Review status: criteria provided, single submitter. Criteria: ICSL Variant Classification Criteria 09 May 2019. Collection method: clinical testing. Allele origin: germline.
Comment: The PEX7 c.903+1G>C variant occurs in a canonical splice site (donor) and is therefore predicted to disrupt or distort the normal gene product. The c.903+1G>C variant has been reported in four studies in which it is found in at least 23 patients with rhizomelic chondrodysplasia punctate, including two in a homozygous state, 15 in a compound heterozygous state, and six individuals of unknown zygosity (Braverman et al. 2002; Motley et al. 2002; Huffnagel et al. 2013; Duker et al. 2016). The variant was absent from at least 100 control chromosomes and is reported at a frequency of 0.00011 in the European (non-Finnish) population of the Exome Aggregation Consortium. Northern blot analysis on PEX7 mRNA from an individual who was homozygous for the c.903+1G>C variant revealed a band that corresponded to a shorter transcript than in controls, which was the result of exon skipping (Braverman et al. 2002). Based on the collective evidence and the potential impact of splice donor variants, the c.903+1G>C variant is classified as pathogenic for PEX7-related disorders. This variant was observed by ICSL as part of a predisposition screen in an ostensibly healthy population.

NM_000288.4(PEX7):c.903+1G>C

Gene: PEX7 (peroxisomal biogenesis factor 7; plus strand). Cytogenetic location: 6q23.3.
Variant type: single nucleotide variant.
Coding change: c.903+1G>C on transcript NM_000288.4 (MANE Select); the canonical splice donor site of the intron after coding-DNA position 903, G replaced by C.
Molecular consequence: splice donor variant.
Genome position (GRCh38, 1-based): chr6:136,898,242, G>C. VCF-style: chr6-136898242-G-C. GRCh37 (hg19) VCF-style: chr6-137219380-G-C.
Other names: IVS9DS, G-C, +1; c.789+1G>C (NM_001410945.1).
Identifiers: ClinVar variation 7785 (VCV000007785.53), dbSNP rs148591292, ClinGen allele CA340702.
Genomic context (GRCh38, chr6:136,898,242, plus strand): 5'-GTGGAGCATCATACAGAGTTTACTTGTGGTTTAGACTTCAGTCTTCAGAGCCCCACTCAG[G>C]TAACGGATACAATCTCATGATATTCTCTTCTGCCCAAGTTCACAGCCAACTCTGTGTGGC-3'